The following is an entry in ClinVar:

ClinVar aggregate classification (germline): Conflicting classifications of pathogenicity. Review status: criteria provided, conflicting classifications (1 of 4 stars). 2 submissions from 2 submitters: Pathogenic (1); Uncertain significance (1). Last evaluated 2025-05-26.

Conditions:
Cardiovascular phenotype. Identifiers: MedGen CN230736.
Telangiectasia, hereditary hemorrhagic, type 5 (HHT5). Identifiers: Orphanet 774, MedGen C3809710, MONDO:0014217, OMIM 615506.

Allele frequency attached by ClinVar (database versions not stated): ExAC 0.00001; gnomAD exomes below 0.00001; TOPMed 0.00001.

Submissions (2):

Labcorp Genetics (formerly Invitae), Labcorp
Classification: Pathogenic for Telangiectasia, hereditary hemorrhagic, type 5. Last evaluated: 2025-05-26. Review status: criteria provided, single submitter. Criteria: Invitae Variant Classification Sherloc (09022015). Collection method: clinical testing. Allele origin: germline.
Comment: This sequence change creates a premature translational stop signal (p.Arg151*) in the GDF2 gene. While this is not anticipated to result in nonsense mediated decay, it is expected to disrupt the last 279 amino acid(s) of the GDF2 protein. This variant is present in population databases (rs782238805, gnomAD 0.002%). This premature translational stop signal has been observed in individuals with pulmonary arterial hypertension (PMID: 30578383, 33066286). ClinVar contains an entry for this variant (Variation ID: 2609335). This variant disrupts a region of the GDF2 protein in which other variant(s) (p.Val423Met) have been determined to be pathogenic (PMID: 30578397, 31727138). This suggests that this is a clinically significant region of the protein, and that variants that disrupt it are likely to be disease-causing. For these reasons, this variant has been classified as Pathogenic.

Ambry Genetics
Classification: Uncertain significance for Cardiovascular phenotype. Last evaluated: 2023-08-10. Review status: criteria provided, single submitter. Criteria: Ambry Variant Classification Scheme 2023. Collection method: clinical testing. Allele origin: germline.
Comment: The c.451C>T (p.R151*) alteration, located in exon 2 (coding exon 2) of the GDF2 gene, consists of a C to T substitution at nucleotide position 451. This changes the amino acid from a arginine (R) to a stop codon at amino acid position 151. This alteration occurs at the 3' terminus of the GDF2 gene, is not expected to trigger nonsense-mediated mRNA decay, and impacts the last 64.6% of the protein. Loss of function of GDF2 has not been established as a mechanism of disease for GDF2 and the exact functional effect of this alteration is unknown. Based on data from gnomAD, the T allele has an overall frequency of 0.001% (2/251372) total alleles studied. The highest observed frequency was 0.002% (2/113682) of European (non-Finnish) alleles. This variant has been reported heterozygous in two individuals with features consistent with GDF2-related vascular anomaly syndrome (Eyries, 2019; van den Heuvel, 2020), and homozygous in two siblings with late onset nonimmune hydrops fetalis and lymphatic dysplasia (Aukema, 2020). Based on insufficient or conflicting evidence, the clinical significance of this alteration remains unclear.

Literature cited by the submitters: PubMed 30578383 (cited by Labcorp Genetics (formerly Invitae), Labcorp and Ambry Genetics); PubMed 33066286 (cited by Labcorp Genetics (formerly Invitae), Labcorp and Ambry Genetics); PubMed 30578397 (cited by Labcorp Genetics (formerly Invitae), Labcorp); PubMed 31727138 (cited by Labcorp Genetics (formerly Invitae), Labcorp); PubMed 32618121 (cited by Ambry Genetics).

NM_016204.4(GDF2):c.451C>T (p.Arg151Ter)

Gene: GDF2 (growth differentiation factor 2; plus strand). Cytogenetic location: 10q11.22.
Variant type: single nucleotide variant.
Coding change: c.451C>T on transcript NM_016204.4 (MANE Select); coding-DNA position 451, C replaced by T.
Protein change: p.Arg151Ter; replaces arginine 151 with a stop codon.
Molecular consequence: nonsense.
Genome position (GRCh38, 1-based): chr10:47,324,945, C>T. VCF-style: chr10-47324945-C-T. GRCh37 (hg19) VCF-style: chr10-48414417-G-A.
Other names: short protein forms R151*.
Identifiers: ClinVar variation 2609335 (VCV002609335.5), dbSNP rs782238805, ClinGen allele CA5488106.